The following is an entry in ClinVar:

NM_018060.4(IARS2):c.551-93G>A

Gene: IARS2 (isoleucyl-tRNA synthetase 2, mitochondrial; plus strand). Cytogenetic location: 1q41.
Variant type: single nucleotide variant.
Coding change: c.551-93G>A on transcript NM_018060.4 (MANE Select); 93 bases into the intron before coding-DNA position 551, G replaced by A.
Molecular consequence: intron variant.
Genome position (GRCh38, 1-based): chr1:220,102,036, G>A. VCF-style: chr1-220102036-G-A. GRCh37 (hg19) VCF-style: chr1-220275378-G-A.
Identifiers: ClinVar variation 676140 (VCV000676140.2), dbSNP rs2789788, ClinGen allele CA10752613.

ClinVar aggregate classification (germline): Benign. Review status: criteria provided, multiple submitters, no conflicts (2 of 4 stars). 2 submissions from 2 submitters: Benign (2). Last evaluated 2018-06-14.

Allele frequency attached by ClinVar (database versions not stated): gnomAD exomes 0.39173; gnomAD 0.46779 and 0.46818; TOPMed 0.48400; 1000 Genomes Project 0.51478; 1000 Genomes Project 30x 0.51827.
gnomAD v4.1: 490,397 of 1,219,918 alleles (40%); highest among the groups gnomAD compares: African/African-American, 65%; 102,528 homozygotes.

Submissions (2):

GeneDx
Classification: Benign. Last evaluated: 2018-06-14. Review status: criteria provided, single submitter. Criteria: GeneDx Variant Classification (06012015). Collection method: clinical testing. Allele origin: germline. Affected: yes.
Comment: This variant is considered likely benign or benign based on one or more of the following criteria: it is a conservative change, it occurs at a poorly conserved position in the protein, it is predicted to be benign by multiple in silico algorithms, and/or has population frequency not consistent with disease.

Breakthrough Genomics
Classification: Benign. Review status: criteria provided, single submitter. Criteria: ACMG Guidelines, 2015. Collection method: not provided. Allele origin: germline. Inheritance: Autosomal recessive inheritance. Affected: yes.